The following is an entry in ClinVar:

NM_001127222.2(CACNA1A):c.2188G>T (p.Glu730Ter)

Gene: CACNA1A (calcium voltage-gated channel subunit alpha1 A; minus strand). Cytogenetic location: 19p13.13.
Variant type: single nucleotide variant.
Coding change: c.2188G>T on transcript NM_001127222.2 (MANE Select); coding-DNA position 2188, G replaced by T.
Protein change: p.Glu730Ter; replaces glutamic acid 730 with a stop codon.
Molecular consequence: nonsense.
Genome position (GRCh38, 1-based): chr19:13,300,641, C>A on the plus strand (G>T on the coding strand, the complement: CACNA1A is on the minus strand). VCF-style: chr19-13300641-C-A. GRCh37 (hg19) VCF-style: chr19-13411455-C-A.
Other names: c.2200G>T, p.Glu734Ter (NM_000068.4, NM_023035.3); c.2191G>T, p.Glu731Ter (NM_001127221.2, NM_001174080.2); short protein forms E730*, E731*, E734*.
Identifiers: ClinVar variation 3346357 (VCV003346357.1).

ClinVar aggregate classification (germline): Likely pathogenic (0 of 4 stars; one submission).

Conditions:
CACNA1A-related disorder. Also called: CACNA1A-related condition.

Submission:

PreventionGenetics, part of Exact Sciences
Classification: Likely pathogenic for CACNA1A-related condition. Last evaluated: 2024-06-08. Review status: no assertion criteria provided. Collection method: clinical testing. Allele origin: germline.
Comment: The CACNA1A c.2188G>T variant is predicted to result in premature protein termination (p.Glu730*). To our knowledge, this variant has not been reported in the literature or in gnomAD, indicating this variant is rare. Nonsense variants in CACNA1A are expected to be pathogenic. This variant is interpreted as likely pathogenic.